The following is an entry in ClinVar:

ClinVar aggregate classification (germline): Pathogenic/Likely pathogenic. Review status: criteria provided, multiple submitters, no conflicts (2 of 4 stars). 4 submissions from 4 submitters: Pathogenic (1); Likely pathogenic (1). 2 of the submissions do not count toward it. Last evaluated 2026-01-26.

Conditions:
Aicardi-Goutieres syndrome 5. Identifiers: Orphanet 51, MedGen C2749659, MONDO:0013059, OMIM 612952.

Allele frequency attached by ClinVar (database versions not stated): gnomAD 0.00001; gnomAD exomes below 0.00001; ExAC 0.00001; TOPMed 0.00002.
gnomAD v4.1: 8 of 1,601,102 alleles (0.0005%); highest among the groups gnomAD compares: African/African-American, 0.0013%; no homozygotes.

Submissions (4):

Labcorp Genetics (formerly Invitae), Labcorp
Classification: Pathogenic for Aicardi-Goutieres syndrome 5. Last evaluated: 2026-01-26. Review status: criteria provided, single submitter. Criteria: Invitae Variant Classification Sherloc (09022015). Collection method: clinical testing. Allele origin: germline.
Comment: This sequence change replaces glycine, which is neutral and non-polar, with serine, which is neutral and polar, at codon 209 of the SAMHD1 protein (p.Gly209Ser). This variant also falls at the last nucleotide of exon 5, which is part of the consensus splice site for this exon. This variant is present in population databases (rs121434516, gnomAD 0.0009%). This missense change has been observed in individuals with Aicardi-Goutières syndrome (PMID: 19525956, 27943079, 41496005). It has also been observed to segregate with disease in related individuals. ClinVar contains an entry for this variant (Variation ID: 4066). Invitae Evidence Modeling of protein sequence and biophysical properties (such as structural, functional, and spatial information, amino acid conservation, physicochemical variation, residue mobility, and thermodynamic stability) indicates that this missense variant is expected to disrupt SAMHD1 protein function with a positive predictive value of 95%. Experimental studies are conflicting or provide insufficient evidence to determine the effect of this variant on SAMHD1 function (PMID: 22461318, 24035396, 28229507). Variants that disrupt the consensus splice site are a relatively common cause of aberrant splicing (PMID: 17576681, 9536098). Algorithms developed to predict the effect of sequence changes on RNA splicing suggest that this variant may disrupt the consensus splice site. For these reasons, this variant has been classified as Pathogenic.

Variantyx, Inc.
Classification: Likely pathogenic for Aicardi-Goutieres syndrome 5. Last evaluated: 2025-10-30. Review status: criteria provided, single submitter. Criteria: Variantyx Assertion Criteria 2022. Collection method: clinical testing. Allele origin: germline. Inheritance: Autosomal recessive inheritance. Affected: no.
Comment: This is a nonsynonymous variant in the SAMHD1 gene (OMIM: 606754). Pathogenic variants in this gene have been associated with autosomal recessive Aicardi Goutieres syndrome 5. This variant has been identified in the homozygous or compound heterozygous state in at least three individuals reported in the published literature (PMID: 19525956, 27943079) (PM3). Functional studies have shown that this variant alters SAMHD1 protein function (PMID: 28229507, 24035396) (PS3_Moderate), and multiple computational algorithms predict a deleterious effect for this variant (REVEL score: 0.917) (PP3). Moreover, the alteration lies within a known hotspot for pathogenic variants or a well-established critical functional domain of the SAMHD1 protein (PMID: 22461318, 24141705) (PM1). This variant has a 0.0013% maximum allele frequency in non-founder control populations (PM2). Based on the current evidence, this variant is classified as likely pathogenic for autosomal recessive Aicardi Goutieres syndrome 5.

OMIM
Classification: Pathogenic for AICARDI-GOUTIERES SYNDROME 5. Last evaluated: 2009-07-01. Review status: no assertion criteria provided. Collection method: literature only. Allele origin: germline. Not counted in ClinVar's aggregate classification.

GeneReviews
No classification provided. Condition: Aicardi-Goutieres syndrome 5. Review status: no classification provided. Collection method: literature only. Allele origin: germline. Affected: yes. Not counted in ClinVar's aggregate classification.

Literature cited by the submitters: PubMed 19525956 (cited by 3 submitters); PubMed 27943079 (cited by Labcorp Genetics (formerly Invitae), Labcorp and Variantyx, Inc.); PubMed 41496005 (cited by Labcorp Genetics (formerly Invitae), Labcorp); PubMed 22461318 (cited by Labcorp Genetics (formerly Invitae), Labcorp and Variantyx, Inc.); PubMed 24035396 (cited by Labcorp Genetics (formerly Invitae), Labcorp and Variantyx, Inc.); PubMed 28229507 (cited by Labcorp Genetics (formerly Invitae), Labcorp and Variantyx, Inc.); PubMed 17576681 (cited by Labcorp Genetics (formerly Invitae), Labcorp); PubMed 9536098 (cited by Labcorp Genetics (formerly Invitae), Labcorp); PubMed 24141705 (cited by Variantyx, Inc.); NCBI Bookshelf NBK1475 (cited by GeneReviews).

NM_015474.4(SAMHD1):c.625G>A (p.Gly209Ser)

Gene: SAMHD1 (SAM and HD domain containing deoxynucleoside triphosphate triphosphohydrolase 1; minus strand). Cytogenetic location: 20q11.23.
Variant type: single nucleotide variant.
Coding change: c.625G>A on transcript NM_015474.4 (MANE Select); coding-DNA position 625, G replaced by A.
Protein change: p.Gly209Ser; replaces glycine 209 with serine.
Molecular consequence: missense variant.
Genome position (GRCh38, 1-based): chr20:36,930,760, C>T on the plus strand (G>A on the coding strand, the complement: SAMHD1 is on the minus strand). VCF-style: chr20-36930760-C-T. GRCh37 (hg19) VCF-style: chr20-35559163-C-T.
Other names: c.625G>A, p.Gly209Ser (NM_001363729.2, NM_001363733.2); short protein forms G209S.
Identifiers: ClinVar variation 4066 (VCV000004066.15), dbSNP rs121434516, ClinGen allele CA340140.
Genomic context (GRCh38, chr20:36,930,760, plus strand): 5'-AAAGAGAGGTAACATATGTTATGATTTTACATAACAACTTTGTCTCTTTGTACAGCTTAC[C>T]GAGATCATGACAAAGTCCAGCAATCTGAACACAGAGAACATCTCGTTCACTTATCTGCAG-3'
Protein context (NP_056289.2, residues 199-219): VQIAGLCHDL[Gly209Ser]HGPFSHMFDG